The following is an entry in ClinVar:

ClinVar aggregate classification (germline): Uncertain significance. Review status: criteria provided, single submitter (1 of 4 stars). 2 submissions from 2 submitters: Uncertain significance (1). 1 of the submissions does not count toward it. Last evaluated 2022-08-31.

Conditions:
Autosomal recessive limb-girdle muscular dystrophy type 2E (LGMDR4). Also called: MUSCULAR DYSTROPHY, LIMB-GIRDLE, AUTOSOMAL RECESSIVE 4. Identifiers: Orphanet 119, MedGen C1858593, MONDO:0011423, OMIM 604286. Disease mechanism: Affects gamma-sarcoglycan and also disrupts the integrity of the entire sarcoglycan complex..

Submissions (2):

Labcorp Genetics (formerly Invitae), Labcorp
Classification: Uncertain significance for Autosomal recessive limb-girdle muscular dystrophy type 2E. Last evaluated: 2022-08-31. Review status: criteria provided, single submitter. Criteria: Invitae Variant Classification Sherloc (09022015). Collection method: clinical testing. Allele origin: germline.
Comment: This sequence change replaces phenylalanine, which is neutral and non-polar, with serine, which is neutral and polar, at codon 233 of the SGCB protein (p.Phe233Ser). This variant is not present in population databases (gnomAD no frequency). This variant has not been reported in the literature in individuals affected with SGCB-related conditions. ClinVar contains an entry for this variant (Variation ID: 650059). Algorithms developed to predict the effect of missense changes on protein structure and function (SIFT, PolyPhen-2, Align-GVGD) all suggest that this variant is likely to be tolerated. In summary, the available evidence is currently insufficient to determine the role of this variant in disease. Therefore, it has been classified as a Variant of Uncertain Significance.

Natera, Inc.
Classification: Uncertain significance for Limb-girdle muscular dystrophy type 2E. Last evaluated: 2021-09-03. Review status: no assertion criteria provided. Collection method: clinical testing. Allele origin: germline. Not counted in ClinVar's aggregate classification.

NM_000232.5(SGCB):c.698T>C (p.Phe233Ser)

Gene: SGCB (sarcoglycan beta; minus strand). Cytogenetic location: 4q12.
Variant type: single nucleotide variant.
Coding change: c.698T>C on transcript NM_000232.5 (MANE Select); coding-DNA position 698, T replaced by C.
Protein change: p.Phe233Ser; replaces phenylalanine 233 with serine.
Molecular consequence: missense variant.
Genome position (GRCh38, 1-based): chr4:52,028,023, A>G on the plus strand (T>C on the coding strand, the complement: SGCB is on the minus strand). VCF-style: chr4-52028023-A-G. GRCh37 (hg19) VCF-style: chr4-52894189-A-G.
Other names: short protein forms F233S.
Identifiers: ClinVar variation 650059 (VCV000650059.11), dbSNP rs1578125133, ClinGen allele CA356875860.
Genomic context (GRCh38, chr4:52,028,023, plus strand): 5'-CTCACCGCCTTTAACTCCATATTACCACCCATGTGAAATTCAATGGTTTTGCCCATAATG[A>G]ATACACCTTCATTTCCACGCACAATAGCACGCCCATCAACTTTTATATTTAAATCACTGG-3'
Protein context (NP_000223.1, residues 223-243): RAIVRGNEGV[Phe233Ser]IMGKTIEFHM